The following is an entry in ClinVar:

NM_000533.5(PLP1):c.481G>A (p.Val161Ile)

Genes: PLP1 (proteolipid protein 1; plus strand), RAB9B (RAB9B, member RAS oncogene family; minus strand). Cytogenetic location: Xq22.2.
Variant type: single nucleotide variant.
Coding change: c.481G>A on transcript NM_000533.5 (MANE Select); coding-DNA position 481, G replaced by A.
Protein change: p.Val161Ile; replaces valine 161 with isoleucine.
Molecular consequence: missense variant.
Genome position (GRCh38, 1-based): chrX:103,787,825, G>A. VCF-style: chrX-103787825-G-A. GRCh37 (hg19) VCF-style: chrX-103042754-G-A.
Other names: c.481G>A, p.Val161Ile (NM_001128834.3); c.316G>A, p.Val106Ile (NM_001305004.1); c.376G>A, p.Val126Ile (NM_199478.3); short protein forms V106I, V126I, V161I.
Identifiers: ClinVar variation 4711051 (VCV004711051.1).

ClinVar aggregate classification (germline): Uncertain significance (1 of 4 stars; one submission).

Conditions:
Hereditary spastic paraplegia 2 (SPG2). Also called: Spastic Paraplegia 2 (SPG2); SPASTIC PARAPLEGIA 2, X-LINKED. Identifiers: Orphanet 99015, MedGen C0751604, MONDO:0010733, OMIM 312920.

gnomAD v4.1: 33 of 1,208,074 alleles (0.0027%); highest among the groups gnomAD compares: Non-Finnish European, 0.0034%; no homozygotes.

Submission:

Labcorp Genetics (formerly Invitae), Labcorp
Classification: Uncertain significance for Hereditary spastic paraplegia 2. Last evaluated: 2025-06-10. Review status: criteria provided, single submitter. Criteria: Invitae Variant Classification Sherloc (09022015). Collection method: clinical testing. Allele origin: germline.
Comment: This sequence change replaces valine, which is neutral and non-polar, with isoleucine, which is neutral and non-polar, at codon 161 of the PLP1 protein (p.Val161Ile). This variant is present in population databases (rs11543023, gnomAD 0.004%), including at least one homozygous and/or hemizygous individual. This variant has not been reported in the literature in individuals affected with PLP1-related conditions. Invitae Evidence Modeling of protein sequence and biophysical properties (such as structural, functional, and spatial information, amino acid conservation, physicochemical variation, residue mobility, and thermodynamic stability) indicates that this missense variant is not expected to disrupt PLP1 protein function with a negative predictive value of 80%. In summary, the available evidence is currently insufficient to determine the role of this variant in disease. Therefore, it has been classified as a Variant of Uncertain Significance.